The following is an entry in ClinVar:

ClinVar aggregate classification (germline): Uncertain significance (1 of 4 stars; one submission).

Submission:

GeneDx
Classification: Uncertain significance. Last evaluated: 2017-02-19. Review status: criteria provided, single submitter. Criteria: GeneDx Variant Classification (06012015). Collection method: clinical testing. Allele origin: germline. Affected: yes.
Comment: The H961L variant in the NPR2 gene has not been reported previously as a pathogenic variant, nor as a benign variant, to our knowledge. The H961L variant is not observed in large population cohorts (Lek et al., 2016; 1000 Genomes Consortium et al., 2015; Exome Variant Server). The H961L variant is a non-conservative amino acid substitution, which is likely to impact secondary protein structure as these residues differ in polarity, charge, size and/or other properties. This substitution occurs at a position that is conserved across species. In silico analysis predicts this variant is probably damaging to the protein structure/function. Missense variants in nearby residues (R957C, G959A) have been reported in the Human Gene Mutation Database in association with acromesomelic dysplasia, Maroteaux type (Stenson et al., 2014), supporting the functional importance of this region of the protein. We interpret H961L as a variant of uncertain significance.

NM_003995.4(NPR2):c.2882A>T (p.His961Leu)

Genes: NPR2 (natriuretic peptide receptor 2; plus strand), SPAG8 (sperm associated antigen 8; minus strand). Cytogenetic location: 9p13.3.
Variant type: single nucleotide variant.
Coding change: c.2882A>T on transcript NM_003995.4 (MANE Select); coding-DNA position 2882, A replaced by T.
Protein change: p.His961Leu; replaces histidine 961 with leucine.
Molecular consequence: missense variant. On other transcripts: intron variant (2).
Genome position (GRCh38, 1-based): chr9:35,808,678, A>T. VCF-style: chr9-35808678-A-T. GRCh37 (hg19) VCF-style: chr9-35808675-A-T.
Other names: c.2891A>T, p.His964Leu (NM_001378923.1); c.1201-372T>A (NM_001366760.2); c.1373-372T>A (NM_172312.2); short protein forms H961L, H964L.
Identifiers: ClinVar variation 423652 (VCV000423652.4), dbSNP rs1064796553, ClinGen allele CA16618860.